The following is an entry in ClinVar:

ClinVar aggregate classification (germline): Uncertain significance. Review status: criteria provided, multiple submitters, no conflicts (2 of 4 stars). 5 submissions from 5 submitters: Uncertain significance (5). Last evaluated 2026-06-18.

Conditions:
Arthrogryposis, distal, with impaired proprioception and touch (DAIPT). Identifiers: MedGen C4310692, MONDO:0014941, OMIM 617146.
Inborn genetic diseases. Identifiers: MedGen C0950123, MeSH D030342.

Allele frequency attached by ClinVar (database versions not stated): TOPMed 0.00022; gnomAD 0.00024 and 0.00026; ExAC 0.00031; 1000 Genomes Project 30x 0.00016; gnomAD exomes 0.00040 and 0.00027; 1000 Genomes Project 0.00020; ESP Exome Variant Server 0.00022.
gnomAD v4.1: 578 of 1,537,200 alleles (0.038%); highest among the groups gnomAD compares: Non-Finnish European, 0.047%; no homozygotes.

Submissions (5):

Women's Health and Genetics/Laboratory Corporation of America, LabCorp
Classification: Uncertain significance. Last evaluated: 2026-06-18. Review status: criteria provided, single submitter. Criteria: LabCorp Variant Classification Summary - May 2015. Collection method: clinical testing. Allele origin: germline.
Comment: Variant summary: PIEZO2 c.3236A>G (p.Tyr1079Cys) results in a non-conservative amino acid change in the encoded protein sequence. Algorithms developed to predict the effect of missense changes on protein structure and function are either unavailable or do not agree on the potential impact of this missense change. The variant allele was found at a frequency of 0.00027 in 144392 control chromosomes (gnomAD). This frequency is not significantly higher than estimated for disease-causing variants in PIEZO2, allowing no conclusion about variant significance. c.3236A>G has been observed in an individual affected with Ehlers-Danlos syndrome (Vandersteen_2024). These report(s) do not provide unequivocal conclusions about association of the variant with disease. To our knowledge, no experimental evidence demonstrating an impact on protein function has been reported. The following publication have been ascertained in the context of this evaluation (PMID: 37813462). ClinVar contains an entry for this variant (Variation ID: 430213). Based on the evidence outlined above, the variant was classified as uncertain significance.

Labcorp Genetics (formerly Invitae), Labcorp
Classification: Uncertain significance. Last evaluated: 2025-11-27. Review status: criteria provided, single submitter. Criteria: Invitae Variant Classification Sherloc (09022015). Collection method: clinical testing. Allele origin: germline.
Comment: This sequence change replaces tyrosine, which is neutral and polar, with cysteine, which is neutral and slightly polar, at codon 1079 of the PIEZO2 protein (p.Tyr1079Cys). This variant is present in population databases (rs192225494, gnomAD 0.05%). This missense change has been observed in individual(s) with Ehlers-Danlos syndrome (PMID: 37813462). ClinVar contains an entry for this variant (Variation ID: 430213). Invitae Evidence Modeling of protein sequence and biophysical properties (such as structural, functional, and spatial information, amino acid conservation, physicochemical variation, residue mobility, and thermodynamic stability) indicates that this missense variant is not expected to disrupt PIEZO2 protein function with a negative predictive value of 80%. In summary, the available evidence is currently insufficient to determine the role of this variant in disease. Therefore, it has been classified as a Variant of Uncertain Significance.

Department of Paediatrics at Addenbrookes, Cambridge University Hospitals NHS Foundation Trust (UK)
Classification: Uncertain significance for Arthrogryposis, distal, with impaired proprioception and touch. Last evaluated: 2025-05-27. Review status: criteria provided, single submitter. Criteria: Durkie Uk Practice Guidelines For Variant Classification V12 2024 (1). Collection method: clinical testing. Allele origin: unknown.
Comment: PM2_Moderate; PP2_Supporting; BP4_Supporting

GeneDx
Classification: Uncertain significance. Last evaluated: 2025-01-22. Review status: criteria provided, single submitter. Criteria: GeneDx Variant Classification Process June 2021. Collection method: clinical testing. Allele origin: germline. Affected: yes.
Comment: In silico analysis supports that this missense variant has a deleterious effect on protein structure/function; Has not been previously published as pathogenic or benign to our knowledge

Ambry Genetics
Classification: Uncertain significance for Inborn genetic diseases. Last evaluated: 2021-09-16. Review status: criteria provided, single submitter. Criteria: Ambry Variant Classification Scheme 2023. Collection method: clinical testing. Allele origin: germline.

Literature cited by the submitters: PubMed 37813462 (cited by Women's Health and Genetics/Laboratory Corporation of America, LabCorp and Labcorp Genetics (formerly Invitae), Labcorp).

NM_001378183.1(PIEZO2):c.3311A>G (p.Tyr1104Cys)

Gene: PIEZO2 (piezo type mechanosensitive ion channel component 2; minus strand). Cytogenetic location: 18p11.22.
Variant type: single nucleotide variant.
Coding change: c.3311A>G on transcript NM_001378183.1 (MANE Select); coding-DNA position 3311, A replaced by G.
Protein change: p.Tyr1104Cys; replaces tyrosine 1104 with cysteine.
Molecular consequence: missense variant.
Genome position (GRCh38, 1-based): chr18:10,761,050, T>C on the plus strand (A>G on the coding strand, the complement: PIEZO2 is on the minus strand). VCF-style: chr18-10761050-T-C. GRCh37 (hg19) VCF-style: chr18-10761048-T-C.
Other names: c.3236A>G, p.Tyr1079Cys (NM_022068.4); short protein forms Y1079C, Y1104C.
Identifiers: ClinVar variation 430213 (VCV000430213.17), dbSNP rs192225494, ClinGen allele CA8892558.